The following is an entry in ClinVar:

ClinVar aggregate classification (germline): Uncertain significance. Review status: criteria provided, multiple submitters, no conflicts (2 of 4 stars). 3 submissions from 3 submitters: Uncertain significance (3). Last evaluated 2026-06-23.

Conditions:
Inborn genetic diseases. Identifiers: MedGen C0950123, MeSH D030342.
MAGEL2-related disorder. Also called: MAGEL2-related condition.

gnomAD v4.1: 6 of 1,574,448 alleles (0.00038%); highest among the groups gnomAD compares: Non-Finnish European, 0.00052%; no homozygotes.

Submissions (3):

PreventionGenetics, part of Exact Sciences
Classification: Uncertain significance for MAGEL2-related condition. Last evaluated: 2026-06-23. Review status: criteria provided, single submitter. Criteria: ACMG Guidelines, 2015. Collection method: clinical testing. Allele origin: germline.
Comment: The MAGEL2 c.1856C>G variant is predicted to result in the amino acid substitution p.Ala619Gly. To our knowledge, this variant has not been reported in the literature or population database gnomAD, indicating that this variant is rare. At this time, the clinical significance of this variant is uncertain due to the absence of conclusive functional and genetic evidence.

Women's Health and Genetics/Laboratory Corporation of America, LabCorp
Classification: Uncertain significance. Last evaluated: 2025-04-10. Review status: criteria provided, single submitter. Criteria: LabCorp Variant Classification Summary - May 2015. Collection method: clinical testing. Allele origin: germline.
Comment: Variant summary: MAGEL2 c.1856C>G (p.Ala619Gly) results in a non-conservative amino acid change in the encoded protein sequence. Two of three in-silico tools predict a damaging effect of the variant on protein function. The variant allele was found at a frequency of 3.8e-06 in 1574448 control chromosomes (gnomAD database v4). The available data on variant occurrences in the general population are insufficient to allow any conclusion about variant significance. To our knowledge, no occurrence of c.1856C>G in individuals affected with Schaaf-Yang Syndrome and no experimental evidence demonstrating its impact on protein function have been reported. No submitters have cited clinical-significance assessments for this variant to ClinVar. Based on the evidence outlined above, the variant was classified as uncertain significance.

Ambry Genetics
Classification: Uncertain significance for Inborn genetic diseases. Last evaluated: 2025-01-24. Review status: criteria provided, single submitter. Criteria: Ambry Variant Classification Scheme 2023. Collection method: clinical testing. Allele origin: germline.

NM_019066.5(MAGEL2):c.1856C>G (p.Ala619Gly)

Gene: MAGEL2 (MAGE family member L2; minus strand). Cytogenetic location: 15q11.2.
Variant type: single nucleotide variant.
Coding change: c.1856C>G on transcript NM_019066.5 (MANE Select); coding-DNA position 1856, C replaced by G.
Protein change: p.Ala619Gly; replaces alanine 619 with glycine.
Molecular consequence: missense variant.
Genome position (GRCh38, 1-based): chr15:23,645,887, G>C on the plus strand (C>G on the coding strand, the complement: MAGEL2 is on the minus strand). VCF-style: chr15-23645887-G-C. GRCh37 (hg19) VCF-style: chr15-23891034-G-C.
Other names: short protein forms A619G.
Identifiers: ClinVar variation 3869661 (VCV003869661.4).